The following is an entry in ClinVar:

ClinVar aggregate classification (germline): Likely benign. Review status: criteria provided, multiple submitters, no conflicts (2 of 4 stars). 5 submissions from 5 submitters: Likely benign (3). 2 of the submissions do not count toward it. Last evaluated 2024-07-01.

Allele frequency attached by ClinVar (database versions not stated): gnomAD exomes 0.00027 and 0.00073; ExAC 0.00083; 1000 Genomes Project 30x 0.00219; gnomAD 0.00235 and 0.00250; 1000 Genomes Project 0.00240; ESP Exome Variant Server 0.00285.

Submissions (5):

Blueprint Genetics
Classification: Likely benign. Last evaluated: 2024-07-01. Review status: criteria provided, single submitter. Criteria: ACMG Guidelines, 2015. Collection method: clinical testing. Allele origin: germline.

CeGaT Center for Human Genetics Tuebingen
Classification: Likely benign. Last evaluated: 2023-01-01. Review status: criteria provided, single submitter. Criteria: CeGaT Center For Human Genetics Tuebingen Variant Classification Criteria Version 2. Collection method: clinical testing. Allele origin: germline. Affected: yes. Observed: 1 variant allele.
Comment: IRF2BPL: BP4, BP7

Breakthrough Genomics
Classification: Likely benign. Review status: criteria provided, single submitter. Criteria: ACMG Guidelines, 2015. Collection method: not provided. Allele origin: germline. Inheritance: Autosomal dominant inheritance. Affected: yes.

Clinical Genetics DNA and cytogenetics Diagnostics Lab, Erasmus MC, Erasmus Medical Center
Classification: Likely benign. Review status: no assertion criteria provided. Collection method: clinical testing. Allele origin: germline. Affected: yes. Study: VKGL Data-share Consensus. Not counted in ClinVar's aggregate classification.

Genome Diagnostics Laboratory, University Medical Center Utrecht
Classification: Likely benign. Review status: no assertion criteria provided. Collection method: clinical testing. Allele origin: germline. Affected: yes. Study: VKGL Data-share Consensus. Not counted in ClinVar's aggregate classification.

NM_024496.4(IRF2BPL):c.636C>T (p.Asn212=)

Gene: IRF2BPL (interferon regulatory factor 2 binding protein like; minus strand). Cytogenetic location: 14q24.3.
Variant type: single nucleotide variant.
Coding change: c.636C>T on transcript NM_024496.4 (MANE Select); coding-DNA position 636, C replaced by T.
Protein change: p.Asn212=; no amino-acid change (asparagine 212 retained).
Molecular consequence: synonymous variant.
Genome position (GRCh38, 1-based): chr14:77,027,157, G>A on the plus strand (C>T on the coding strand, the complement: IRF2BPL is on the minus strand). VCF-style: chr14-77027157-G-A. GRCh37 (hg19) VCF-style: chr14-77493500-G-A.
Identifiers: ClinVar variation 1328052 (VCV001328052.28), dbSNP rs145413239, ClinGen allele CA7283890.